The following is an entry in ClinVar:

NM_006618.5(KDM5B):c.1868G>A (p.Arg623Gln)

Gene: KDM5B (lysine demethylase 5B; minus strand). Cytogenetic location: 1q32.1.
Variant type: single nucleotide variant.
Coding change: c.1868G>A on transcript NM_006618.5 (MANE Select); coding-DNA position 1868, G replaced by A.
Protein change: p.Arg623Gln; replaces arginine 623 with glutamine.
Molecular consequence: missense variant.
Genome position (GRCh38, 1-based): chr1:202,749,093, C>T on the plus strand (G>A on the coding strand, the complement: KDM5B is on the minus strand). VCF-style: chr1-202749093-C-T. GRCh37 (hg19) VCF-style: chr1-202718221-C-T.
Other names: c.1976G>A, p.Arg659Gln (NM_001314042.2); c.1733G>A, p.Arg578Gln (NM_001347591.2); c.1853G>A, p.Arg618Gln (NM_001399817.1); short protein forms R578Q, R618Q, R623Q, R659Q.
Identifiers: ClinVar variation 2639800 (VCV002639800.24), dbSNP rs958405442, ClinGen allele CA35585026.

ClinVar aggregate classification (germline): Uncertain significance (1 of 4 stars; one submission).

Allele frequency attached by ClinVar (database versions not stated): gnomAD exomes below 0.00001.
gnomAD v4.1: 2 of 1,614,032 alleles (0.00012%); highest among the groups gnomAD compares: Non-Finnish European, 0.00017%; no homozygotes.

Submission:

CeGaT Center for Human Genetics Tuebingen
Classification: Uncertain significance. Last evaluated: 2022-08-01. Review status: criteria provided, single submitter. Criteria: CeGaT Center For Human Genetics Tuebingen Variant Classification Criteria Version 2. Collection method: clinical testing. Allele origin: germline. Affected: yes. Observed: 1 variant allele.
Comment: KDM5B: PM2